The following is an entry in ClinVar:

NM_003235.5(TG):c.3001+5G>A

Gene: TG (thyroglobulin; plus strand). Cytogenetic location: 8q24.22.
Variant type: single nucleotide variant.
Coding change: c.3001+5G>A on transcript NM_003235.5 (MANE Select); 5 bases into the intron after coding-DNA position 3001, G replaced by A.
Molecular consequence: intron variant.
Genome position (GRCh38, 1-based): chr8:132,893,934, G>A. VCF-style: chr8-132893934-G-A. GRCh37 (hg19) VCF-style: chr8-133906179-G-A.
Identifiers: ClinVar variation 2780139 (VCV002780139.3), dbSNP rs767564345, ClinGen allele CA2695210288.

ClinVar aggregate classification (germline): Likely pathogenic (1 of 4 stars; one submission).

Submission:

Labcorp Genetics (formerly Invitae), Labcorp
Classification: Likely pathogenic. Last evaluated: 2023-03-08. Review status: criteria provided, single submitter. Criteria: Invitae Variant Classification Sherloc (09022015). Collection method: clinical testing. Allele origin: germline.
Comment: This variant has been observed in individual(s) with thyroid dyshormonogenesis (PMID: 33321114). In at least one individual the data is consistent with being in trans (on the opposite chromosome) from a pathogenic variant. This sequence change falls in intron 11 of the TG gene. It does not directly change the encoded amino acid sequence of the TG protein. It affects a nucleotide within the consensus splice site. This variant is not present in population databases (gnomAD no frequency). Variants that disrupt the consensus splice site are a relatively common cause of aberrant splicing (PMID: 17576681, 9536098). Studies have shown that this variant alters mRNA splicing and is expected to lead to the loss of protein expression (PMID: 33321114). In summary, the currently available evidence indicates that the variant is pathogenic, but additional data are needed to prove that conclusively. Therefore, this variant has been classified as Likely Pathogenic.

Literature cited by the submitters: PubMed 33321114; PubMed 17576681; PubMed 9536098.